The following is an entry in ClinVar:

NM_152866.3(MS4A1):c.190A>G (p.Ile64Val)

Gene: MS4A1 (membrane spanning 4-domains A1; plus strand). Cytogenetic location: 11q12.2.
Variant type: single nucleotide variant.
Coding change: c.190A>G on transcript NM_152866.3 (MANE Select); coding-DNA position 190, A replaced by G.
Protein change: p.Ile64Val; replaces isoleucine 64 with valine.
Molecular consequence: missense variant.
Genome position (GRCh38, 1-based): chr11:60,463,032, A>G. VCF-style: chr11-60463032-A-G. GRCh37 (hg19) VCF-style: chr11-60230505-A-G.
Other names: c.190A>G, p.Ile64Val (NM_021950.4, NM_152867.2); short protein forms I64V.
Identifiers: ClinVar variation 1496974 (VCV001496974.8), dbSNP rs2135198098, ClinGen allele CA380598486.

ClinVar aggregate classification (germline): Uncertain significance (1 of 4 stars; one submission).

Allele frequency attached by ClinVar (database versions not stated): gnomAD exomes below 0.00001.

Submission:

Labcorp Genetics (formerly Invitae), Labcorp
Classification: Uncertain significance. Last evaluated: 2022-02-02. Review status: criteria provided, single submitter. Criteria: Invitae Variant Classification Sherloc (09022015). Collection method: clinical testing. Allele origin: germline.
Comment: In summary, the available evidence is currently insufficient to determine the role of this variant in disease. Therefore, it has been classified as a Variant of Uncertain Significance. Algorithms developed to predict the effect of missense changes on protein structure and function are either unavailable or do not agree on the potential impact of this missense change (SIFT: "Deleterious"; PolyPhen-2: "Benign"; Align-GVGD: "Class C25"). This variant has not been reported in the literature in individuals affected with MS4A1-related conditions. This variant is not present in population databases (gnomAD no frequency). This sequence change replaces isoleucine, which is neutral and non-polar, with valine, which is neutral and non-polar, at codon 64 of the MS4A1 protein (p.Ile64Val).